The following is an entry in ClinVar:

ClinVar aggregate classification (germline): Likely benign (1 of 4 stars; one submission).

Conditions:
Succinate-semialdehyde dehydrogenase deficiency (SSADHD). Also called: Succinic Semialdehyde Dehydrogenase Deficiency; 4-HYDROXYBUTYRIC ACIDURIA; GABA METABOLIC DEFECT; SSADH DEFICIENCY. Identifiers: Orphanet 22, MedGen C0268631, MONDO:0010083, OMIM 271980.

Allele frequency attached by ClinVar (database versions not stated): gnomAD 0.00003 and 0.00009; TOPMed 0.00004; 1000 Genomes Project 30x 0.00062; 1000 Genomes Project 0.00080.

Submission:

Illumina Laboratory Services, Illumina
Classification: Likely benign for Succinate-semialdehyde dehydrogenase deficiency. Last evaluated: 2018-01-12. Review status: criteria provided, single submitter. Criteria: ICSL Variant Classification Criteria 13 December 2019. Collection method: clinical testing. Allele origin: germline.
Comment: This variant was observed in the ICSL laboratory as part of a predisposition screen in an ostensibly healthy population. It had not been previously curated by ICSL or reported in the Human Gene Mutation Database (HGMD: prior to June 1st, 2018), and was therefore a candidate for classification through an automated scoring system. Utilizing variant allele frequency, disease prevalence and penetrance estimates, and inheritance mode, an automated score was calculated to assess if this variant is too frequent to cause the disease. Based on the score and internal cut-off values, a variant classified as likely benign is not then subjected to further curation. The score for this variant resulted in a classification of likely benign for this disease.

NM_001080.3(ALDH5A1):c.*1349A>G

Gene: ALDH5A1 (aldehyde dehydrogenase 5 family member A1; plus strand). Cytogenetic location: 6p22.3.
Variant type: single nucleotide variant.
Coding change: c.*1349A>G on transcript NM_001080.3 (MANE Select); 1349 bases downstream of the stop codon, A replaced by G.
Molecular consequence: 3 prime UTR variant.
Genome position (GRCh38, 1-based): chr6:24,535,061, A>G. VCF-style: chr6-24535061-A-G. GRCh37 (hg19) VCF-style: chr6-24535289-A-G.
Other names: c.*1349A>G (NM_001368954.1, NM_170740.1).
Identifiers: ClinVar variation 356167 (VCV000356167.5), dbSNP rs542892289, ClinGen allele CA10623534.
Genomic context (GRCh38, chr6:24,535,061, plus strand): 5'-ACCGGCGTTGCCTCTCACTTTGAAAGAAAGACTCCGTAATCTTAAACAGATGCAAATCCA[A>G]TTAGGCGGCCAAGTAGGTGGAGACGAAGCACCTTCCTTTCCCCATCTCTGTCTGTGTAGA-3'